The following is an entry in ClinVar:

ClinVar aggregate classification (germline): Conflicting classifications of pathogenicity. Review status: criteria provided, conflicting classifications (1 of 4 stars). 9 submissions from 9 submitters: Likely pathogenic (3); Uncertain significance (6). Last evaluated 2025-11-30.

Conditions:
TNNI3-related disorder. Also called: TNNI3-related condition; TNNI3-related disorders.
Cardiovascular phenotype. Identifiers: MedGen CN230736.
Hypertrophic cardiomyopathy 7. Also called: CARDIOMYOPATHY, FAMILIAL HYPERTROPHIC, 7, MODIFIER OF; TNNI3-Related Familial Hypertrophic Cardiomyopathy; Familial hypertrophic cardiomyopathy 7. Identifiers: MedGen C1860752, MONDO:0013369, OMIM 613690.
Hypertrophic cardiomyopathy. Also called: HYPERTROPHIC MYOCARDIOPATHY. Identifiers: Orphanet 217569, MedGen C0007194, MeSH D002312, MONDO:0005045, HP:0001639.
Cardiomyopathy (CMYO). Also called: Cardiomyopathies. Identifiers: Orphanet 167848, MedGen C0878544, MONDO:0004994, HP:0001638. Inheritance: Various modes of inheritance.

Allele frequency attached by ClinVar (database versions not stated): gnomAD exomes below 0.00001 and 0.00001; TOPMed below 0.00001; ExAC 0.00001.
gnomAD v4.1: 1 of 1,614,132 alleles (0.000062%); highest among the groups gnomAD compares: East Asian, 0.0022%; no homozygotes.

Submissions (9):

Labcorp Genetics (formerly Invitae), Labcorp
Classification: Likely pathogenic for Hypertrophic cardiomyopathy. Last evaluated: 2025-11-30. Review status: criteria provided, single submitter. Criteria: Invitae Variant Classification Sherloc (09022015). Collection method: clinical testing. Allele origin: germline.
Comment: This sequence change replaces glutamic acid, which is acidic and polar, with glutamine, which is neutral and polar, at codon 124 of the TNNI3 protein (p.Glu124Gln). This variant is present in population databases (rs727503506, gnomAD 0.01%). This missense change has been observed in individuals with hypertrophic cardiomyopathy (PMID: 25086479, 28498465, 28790153; internal data). ClinVar contains an entry for this variant (Variation ID: 165520). An algorithm developed to predict the effect of missense changes on protein structure and function (PolyPhen-2) suggests that this variant is likely to be tolerated. In summary, the currently available evidence indicates that the variant is pathogenic, but additional data are needed to prove that conclusively. Therefore, this variant has been classified as Likely Pathogenic.

Ambry Genetics
Classification: Uncertain significance for Cardiovascular phenotype. Last evaluated: 2025-05-14. Review status: criteria provided, single submitter. Criteria: Ambry Variant Classification Scheme 2023. Collection method: clinical testing. Allele origin: germline.
Comment: The p.E124Q variant (also known as c.370G>C), located in coding exon 6 of the TNNI3 gene, results from a G to C substitution at nucleotide position 370. The glutamic acid at codon 124 is replaced by glutamine, an amino acid with highly similar properties. This alteration has been reported in hypertrophic cardiomyopathy (HCM) cohorts; however, clinical details were limited and an additional alteration in a cardiac-related gene was identified in one case (Chiou KR et al. J Cardiol, 2015 Mar;65:250-6; Burns C et al. Circ Cardiovasc Genet, 2017 Aug;10:[ePub ahead of print]; Ingles J et al. Circ Cardiovasc Genet, 2017 Apr;10:[ePub ahead of print]; Zhao Y et al. Int J Mol Med, 2017 Jul;40:121-129; Mazzarotto F et al. Genet Med, 2019 02;21:284-292). This amino acid position is highly conserved in available vertebrate species. In addition, the in silico prediction for this alteration is inconclusive. Since supporting evidence is limited at this time, the clinical significance of this alteration remains unclear.

3billion
Classification: Uncertain significance for Hypertrophic cardiomyopathy 7. Last evaluated: 2025-03-07. Review status: criteria provided, single submitter. Criteria: ACMG Guidelines, 2015. Collection method: clinical testing. Allele origin: germline. Affected: yes.

Color Diagnostics, LLC DBA Color Health
Classification: Likely pathogenic for Cardiomyopathy. Last evaluated: 2024-04-25. Review status: criteria provided, single submitter. Criteria: ACMG Guidelines, 2015. Collection method: clinical testing. Allele origin: germline.
Comment: This missense variant replaces glutamic acid with glutamine at codon 124 in the TNNT-binding region of the TNNI3 protein. Computational prediction tools indicate that this variant has a deleterious impact on protein structure and function. To our knowledge, functional studies have not been reported for this variant. This variant has been reported in more than 10 individuals affected with hypertrophic cardiomyopathy (PMID: 25086479, 28498465, 28790153, 29875424, 30297972, 33495597, 32815737, 36166435; ClinVar SCV001156308.2, SCV000284657.9). This variant has been identified in 2/249260 chromosomes in the general population by the Genome Aggregation Database (gnomAD). Based on the available evidence, this variant is classified as Likely Pathogenic.

Blueprint Genetics
Classification: Likely pathogenic for TNNI3-related disorders. Last evaluated: 2024-04-10. Review status: criteria provided, single submitter. Criteria: ACMG Guidelines, 2015. Collection method: clinical testing. Allele origin: germline. Affected: yes. Observed: 2 variant alleles.

CHEO Genetics Diagnostic Laboratory, Children's Hospital of Eastern Ontario
Classification: Uncertain significance for Cardiomyopathy. Last evaluated: 2023-05-17. Review status: criteria provided, single submitter. Criteria: ACMG Guidelines, 2015. Collection method: clinical testing. Allele origin: germline.

Agnes Ginges Centre for Molecular Cardiology, Centenary Institute
Classification: Uncertain significance for Hypertrophic cardiomyopathy 7. Last evaluated: 2020-04-07. Review status: criteria provided, single submitter. Criteria: ACMG Guidelines, 2015. Collection method: research. Allele origin: germline. Inheritance: Autosomal dominant inheritance. Affected: yes.
Comment: The variant has been seen as a singleton event in the East Asian sub-population in the Exome Aggregation Consortium dataset (MAF=0.000008). Computational tools PolyPhen2, PolyPhen-HCM and MutationTaster predict this variant to be deleterious, however SIFT predicts this variant to be "Tolerated". Based on the adapted ACMG guidelines (Kelly MA, et al., 2018) the variant is rare in the general population (PM2) and has been identified in at least 7 HCM probands (PS4_moderate), therefore we classify TNNI3 Glu124Gln as a variant of "uncertain significance"

GeneDx
Classification: Uncertain significance. Last evaluated: 2019-02-04. Review status: criteria provided, single submitter. Criteria: GeneDx Variant Classification Process June 2021. Collection method: clinical testing. Allele origin: germline. Affected: yes.
Comment: Not observed at a significant frequency in large population cohorts (Lek et al., 2016); Reported in ClinVar as a variant of uncertain significance and as a likely pathogenic variant, but additional evidence is not available (ClinVar Variant ID# 165520; Landrum et al., 2016); In silico analysis, which includes protein predictors and evolutionary conservation, supports a deleterious effect; This variant is associated with the following publications: (PMID: 28498465, 25086479, 28790153)

Laboratory for Molecular Medicine, Mass General Brigham Personalized Medicine
Classification: Uncertain significance. Last evaluated: 2013-10-14. Review status: criteria provided, single submitter. Criteria: LMM Criteria. Collection method: clinical testing. Allele origin: germline. Observed: 1 variant allele.
Comment: The Glu124Gln variant in TNNI3 has not been previously reported in individuals w ith cardiomyopathy. Glutamic acid (Glu) at position 124 is highly conserved in m ammals and across most evolutionarily distant species and the change to glutamin e (Gln) was predicted to be pathogenic using a computational tool clinically val idated by our laboratory. This tool's pathogenic prediction is estimated to be c orrect 94% of the time (Jordan 2011). Additional computational analyses (biochem ical amino acid properties, conservation, AlignGVGD, PolyPhen2, and SIFT) do not provide strong support for or against an impact to the protein. Additional info rmation is needed to fully assess the clinical significance of this variant.

Literature cited by the submitters: PubMed 25086479 (cited by 5 submitters); PubMed 28498465 (cited by 4 submitters); PubMed 28790153 (cited by 4 submitters); PubMed 24113344 (cited by Ambry Genetics); PubMed 28408708 (cited by Ambry Genetics); PubMed 29875424 (cited by Ambry Genetics and Color Diagnostics, LLC DBA Color Health); PubMed 30297972 (cited by Ambry Genetics and Color Diagnostics, LLC DBA Color Health); PubMed 36166435 (cited by Ambry Genetics and Color Diagnostics, LLC DBA Color Health); PubMed 32815737 (cited by Color Diagnostics, LLC DBA Color Health); PubMed 33495597 (cited by Color Diagnostics, LLC DBA Color Health).

NM_000363.5(TNNI3):c.370G>C (p.Glu124Gln)

Gene: TNNI3 (troponin I3, cardiac type; minus strand). Cytogenetic location: 19q13.42.
Variant type: single nucleotide variant.
Coding change: c.370G>C on transcript NM_000363.5 (MANE Select); coding-DNA position 370, G replaced by C.
Protein change: p.Glu124Gln; replaces glutamic acid 124 with glutamine.
Molecular consequence: missense variant.
Genome position (GRCh38, 1-based): chr19:55,154,743, C>G on the plus strand (G>C on the coding strand, the complement: TNNI3 is on the minus strand). VCF-style: chr19-55154743-C-G. GRCh37 (hg19) VCF-style: chr19-55666111-C-G.
Other names: p.E124Q:GAG>CAG; short protein forms E124Q.
Identifiers: ClinVar variation 165520 (VCV000165520.29), dbSNP rs727503506, ClinGen allele CA021554.
Genomic context (GRCh38, chr19:55,154,743, plus strand): 5'-CCAAGTCCCAGCCATCTCACCCTACCCCGAAGGTACCCGAGCTGCCCATGCGTCCCACCT[C>G]CGTGATGTTCTTGGTGACTTTTGCCTCTATGTCGTATCTCTCTTCATCCACCTTGTCCAC-3'
Protein context (NP_000354.4, residues 114-134): IEAKVTKNIT[Glu124Gln]IADLTQKIFD